The following is an entry in ClinVar:

NM_006096.4(NDRG1):c.699-51A>C

Genes: NDRG1 (N-myc downstream regulated 1; minus strand), LOC126860531 (CDK7 strongly-dependent group 2 enhancer GRCh37_chr8:134259869-134261068; plus strand). Cytogenetic location: 8q24.22.
Variant type: single nucleotide variant.
Coding change: c.699-51A>C on transcript NM_006096.4 (MANE Select); 51 bases into the intron before coding-DNA position 699, A replaced by C.
Molecular consequence: intron variant.
Genome position (GRCh38, 1-based): chr8:133,248,822, T>G on the plus strand (A>C on the coding strand, the complement: NDRG1 is on the minus strand). VCF-style: chr8-133248822-T-G. GRCh37 (hg19) VCF-style: chr8-134261065-T-G.
Other names: c.501-51A>C (NM_001258432.2, NM_001374847.1); c.456-51A>C (NM_001258433.2); c.750-51A>C (NM_001374844.1); c.699-51A>C (NM_001135242.2, NM_001374845.1, NM_001374846.1).
Identifiers: ClinVar variation 673448 (VCV000673448.5), dbSNP rs2233335, ClinGen allele CA4886636.

ClinVar aggregate classification (germline): Benign. Review status: criteria provided, multiple submitters, no conflicts (2 of 4 stars). 3 submissions from 3 submitters: Benign (3). Last evaluated 2021-07-10.

Conditions:
Charcot-Marie-Tooth disease type 4D. Also called: CHARCOT-MARIE-TOOTH DISEASE, DEMYELINATING, AUTOSOMAL RECESSIVE, TYPE 4D; CHARCOT-MARIE-TOOTH DISEASE, DEMYELINATING, TYPE 4D; Charcot-Marie-Tooth Neuropathy Type 4D; NEUROPATHY, HEREDITARY MOTOR AND SENSORY, LOM TYPE. Identifiers: Orphanet 99950, MedGen C1832334, MONDO:0011085, OMIM 601455.

Allele frequency attached by ClinVar (database versions not stated): 1000 Genomes Project 0.26058; 1000 Genomes Project 30x 0.26546; gnomAD 0.31482 and 0.31793; gnomAD exomes 0.31618 and 0.35308; ExAC 0.31721; TOPMed 0.32195; ESP Exome Variant Server 0.33500.
gnomAD v4.1: 561,480 of 1,607,212 alleles (35%); highest among the groups gnomAD compares: Middle Eastern, 40%; 101,768 homozygotes.

Submissions (3):

Genome-Nilou Lab
Classification: Benign for Charcot-Marie-Tooth disease type 4D. Last evaluated: 2021-07-10. Review status: criteria provided, single submitter. Criteria: ACMG Guidelines, 2015. Collection method: clinical testing. Allele origin: germline. Affected: no.

GeneDx
Classification: Benign. Last evaluated: 2018-06-14. Review status: criteria provided, single submitter. Criteria: GeneDx Variant Classification (06012015). Collection method: clinical testing. Allele origin: germline. Affected: yes.
Comment: This variant is considered likely benign or benign based on one or more of the following criteria: it is a conservative change, it occurs at a poorly conserved position in the protein, it is predicted to be benign by multiple in silico algorithms, and/or has population frequency not consistent with disease.

Breakthrough Genomics
Classification: Benign. Review status: criteria provided, single submitter. Criteria: ACMG Guidelines, 2015. Collection method: not provided. Allele origin: germline. Inheritance: Autosomal recessive inheritance. Affected: yes.